The following is an entry in ClinVar:

ClinVar aggregate classification (germline): Likely benign (0 of 4 stars; one submission).

Conditions:
PHIP-related disorder. Also called: PHIP-related condition; PHIP-related disorders.

Submission:

PreventionGenetics, part of Exact Sciences
Classification: Likely benign for PHIP-related condition. Last evaluated: 2023-10-04. Review status: no assertion criteria provided. Collection method: clinical testing. Allele origin: germline.
Comment: This variant is classified as likely benign based on ACMG/AMP sequence variant interpretation guidelines (Richards et al. 2015 PMID: 25741868, with internal and published modifications).

NM_017934.7(PHIP):c.5152A>C (p.Arg1718=)

Genes: IRAK1BP1 (interleukin 1 receptor associated kinase 1 binding protein 1; plus strand), PHIP (PHIP subunit of CUL4-Ring ligase complex; minus strand). Cytogenetic location: 6q14.1.
Variant type: single nucleotide variant.
Coding change: c.5152A>C on transcript NM_017934.7 (MANE Select); coding-DNA position 5152, A replaced by C.
Protein change: p.Arg1718=; no amino-acid change (arginine 1718 retained).
Molecular consequence: synonymous variant.
Genome position (GRCh38, 1-based): chr6:78,941,007, T>G on the plus strand (A>C on the coding strand, the complement: PHIP is on the minus strand). VCF-style: chr6-78941007-T-G. GRCh37 (hg19) VCF-style: chr6-79650724-T-G.
Identifiers: ClinVar variation 3349312 (VCV003349312.1).